The following is an entry in ClinVar:

ClinVar aggregate classification (germline): Uncertain significance (1 of 4 stars; one submission).

Allele frequency attached by ClinVar (database versions not stated): gnomAD exomes below 0.00001; gnomAD 0.00001 and 0.00003; ExAC 0.00001.
gnomAD v4.1: 2 of 1,613,404 alleles (0.00012%); highest among the groups gnomAD compares: East Asian, 0.0045%; no homozygotes.

Submission:

GeneDx
Classification: Uncertain significance. Last evaluated: 2014-10-16. Review status: criteria provided, single submitter. Criteria: GeneDx Variant Classification (06012015). Collection method: clinical testing. Allele origin: germline. Affected: yes.
Comment: p.Ser2796Thr (AGT>ACT): c.8387 G>C in exon 65 of the FBN2 gene (NM_001999.3) The S2796T variant has not been published as a mutation, nor has it been reported as a benign polymorphism to our knowledge. The S2796T variant was not observed in approximately 6,500 individuals of European and African American ancestry in the NHLBI Exome Sequencing Project, indicating it is not a common benign variant in these populations. This substitution occurs at a position that is conserved in most species. In silico analysis predicts this variant is probably damaging to the protein structure/function. However, the S2796T variant is a conservative amino acid substitution, which is not likely to impact secondary protein structure as these residues share similar properties. Furthermore, missense mutations in nearby residues have not been reported, indicating this region of the protein may be tolerant of change. Therefore, based on the currently available information, it is unclear whether this variant is a pathogenic mutation or a rare benign variant. This variant was found in TAAD

NM_001999.4(FBN2):c.8387G>C (p.Ser2796Thr)

Gene: FBN2 (fibrillin 2; minus strand). Cytogenetic location: 5q23.3.
Variant type: single nucleotide variant.
Coding change: c.8387G>C on transcript NM_001999.4 (MANE Select); coding-DNA position 8387, G replaced by C.
Protein change: p.Ser2796Thr; replaces serine 2796 with threonine.
Molecular consequence: missense variant.
Genome position (GRCh38, 1-based): chr5:128,259,807, C>G on the plus strand (G>C on the coding strand, the complement: FBN2 is on the minus strand). VCF-style: chr5-128259807-C-G. GRCh37 (hg19) VCF-style: chr5-127595499-C-G.
Other names: short protein forms S2796T.
Identifiers: ClinVar variation 213372 (VCV000213372.2), dbSNP rs751287011, ClinGen allele CA321667.